The following is an entry in ClinVar:

ClinVar aggregate classification (germline): Uncertain significance. Review status: criteria provided, multiple submitters, no conflicts (2 of 4 stars). 7 submissions from 7 submitters: Uncertain significance (5). 2 of the submissions do not count toward it. Last evaluated 2026-07-24.

Conditions:
APOA5-related disorder. Also called: APOA5-related condition.
Cardiovascular phenotype. Identifiers: MedGen CN230736.

Allele frequency attached by ClinVar (database versions not stated): ESP Exome Variant Server 0.00015; gnomAD 0.00015; TOPMed 0.00015; ExAC 0.00016; gnomAD exomes 0.00019 and 0.00030.

Submissions (7):

PreventionGenetics, part of Exact Sciences
Classification: Uncertain significance for APOA5-related condition. Last evaluated: 2026-07-24. Review status: criteria provided, single submitter. Criteria: ACMG Guidelines, 2015. Collection method: clinical testing. Allele origin: germline.
Comment: The APOA5 c.434A>G variant is predicted to result in the amino acid substitution p.Gln145Arg. This variant has been reported in hypertriglyceridemia, myocardial infarction, and chylomicronemia cohorts without individual patient details (See for examples: Evans et al. 2011. PubMed ID: 21993410; Do et al. 2015. PubMed ID: 25487149; Table S2, Deshotels et al. 2022. PubMed ID: 36325899; Table S2, Bashir et al. 2024. PubMed ID: 39234690). This variant is reported in 0.038% of alleles in individuals of European (Non-Finnish) descent in gnomAD. At this time, the clinical significance of this variant is uncertain due to the absence of conclusive functional and genetic evidence.

Labcorp Genetics (formerly Invitae), Labcorp
Classification: Uncertain significance. Last evaluated: 2025-10-27. Review status: criteria provided, single submitter. Criteria: Invitae Variant Classification Sherloc (09022015). Collection method: clinical testing. Allele origin: germline.
Comment: This sequence change replaces glutamine, which is neutral and polar, with arginine, which is basic and polar, at codon 145 of the APOA5 protein (p.Gln145Arg). This variant is present in population databases (rs368739905, gnomAD 0.04%). This missense change has been observed in individual(s) with elevated triglycerides, early-onset myocardial infarction, or chylomicronemia (PMID: 21993410, 25487149, 36325899, 39234690). ClinVar contains an entry for this variant (Variation ID: 1284499). An algorithm developed to predict the effect of missense changes on protein structure and function (PolyPhen-2) suggests that this variant is likely to be tolerated. In summary, the available evidence is currently insufficient to determine the role of this variant in disease. Therefore, it has been classified as a Variant of Uncertain Significance.

Molecular Diagnostic Laboratory for Inherited Cardiovascular Disease, Montreal Heart Institute
Classification: Uncertain significance for Cardiovascular phenotype. Last evaluated: 2025-04-09. Review status: criteria provided, single submitter. Criteria: ACMG Guidelines, 2015. Collection method: clinical testing. Allele origin: germline. Affected: yes.

Ambry Genetics
Classification: Uncertain significance for Cardiovascular phenotype. Last evaluated: 2025-03-10. Review status: criteria provided, single submitter. Criteria: Ambry Variant Classification Scheme 2023. Collection method: clinical testing. Allele origin: germline.
Comment: The p.Q145R variant (also known as c.434A>G), located in coding exon 3 of the APOA5 gene, results from an A to G substitution at nucleotide position 434. The glutamine at codon 145 is replaced by arginine, an amino acid with highly similar properties. This variant was reported in individuals in hypertriglyceridemia cohorts; however, clinical details were limited (Deshotels MR et al. Arterioscler Thromb Vasc Biol, 2022 Dec;42:1461-1467; Jiang L et al. J Lipid Res, 2024 Jun;65:100569). This amino acid position is not well conserved in available vertebrate species. In addition, this alteration is predicted to be tolerated by in silico analysis. Based on the available evidence, the clinical significance of this variant remains unclear.

GeneDx
Classification: Uncertain significance. Last evaluated: 2024-03-19. Review status: criteria provided, single submitter. Criteria: GeneDx Variant Classification Process June 2021. Collection method: clinical testing. Allele origin: germline. Affected: yes.
Comment: In silico analysis supports that this missense variant does not alter protein structure/function; Reported in cohorts of patients with hypertriglyceridemia or myocardial infarction; however, detailed clinical information was not provided (PMID: 36325899, 25487149, 21993410); This variant is associated with the following publications: (PMID: 21993410, 25487149, 36325899)

Clinical Genetics, Academic Medical Center
Classification: Benign. Review status: no assertion criteria provided. Collection method: clinical testing. Allele origin: germline. Affected: yes. Study: VKGL Data-share Consensus. Not counted in ClinVar's aggregate classification.

Diagnostic Laboratory, Department of Genetics, University Medical Center Groningen
Classification: Likely benign. Review status: no assertion criteria provided. Collection method: clinical testing. Allele origin: germline. Affected: yes. Study: VKGL Data-share Consensus. Not counted in ClinVar's aggregate classification.

Literature cited by the submitters: PubMed 21993410 (cited by Labcorp Genetics (formerly Invitae), Labcorp); PubMed 25487149 (cited by Labcorp Genetics (formerly Invitae), Labcorp); PubMed 36325899 (cited by Labcorp Genetics (formerly Invitae), Labcorp and Ambry Genetics); PubMed 39234690 (cited by Labcorp Genetics (formerly Invitae), Labcorp); PubMed 38795861 (cited by Ambry Genetics).

NM_001371904.1(APOA5):c.434A>G (p.Gln145Arg)

Gene: APOA5 (apolipoprotein A5; minus strand). Cytogenetic location: 11q23.3.
Variant type: single nucleotide variant.
Coding change: c.434A>G on transcript NM_001371904.1 (MANE Select); coding-DNA position 434, A replaced by G.
Protein change: p.Gln145Arg; replaces glutamine 145 with arginine.
Molecular consequence: missense variant.
Genome position (GRCh38, 1-based): chr11:116,790,795, T>C on the plus strand (A>G on the coding strand, the complement: APOA5 is on the minus strand). VCF-style: chr11-116790795-T-C. GRCh37 (hg19) VCF-style: chr11-116661511-T-C.
Other names: c.434A>G, p.Gln145Arg (NM_001166598.2, NM_052968.5); c.434A>G (NM_052968.4); short protein forms Q145R.
Identifiers: ClinVar variation 1284499 (VCV001284499.15), dbSNP rs368739905, ClinGen allele CA6289079.